The following is an entry in ClinVar:

NC_000002.11:g.(?_242690641)_(242690823_?)del

Gene: D2HGDH (D-2-hydroxyglutarate dehydrogenase; plus strand). Cytogenetic location: 2q37.3.
Variant type: Deletion.
Identifiers: ClinVar variation 3247382 (VCV003247382.1).

ClinVar aggregate classification (germline): Pathogenic (1 of 4 stars; one submission).

Conditions:
D-2-hydroxyglutaric aciduria 1 (D2HGA1). Identifiers: Orphanet 79315, MedGen C3152055, MONDO:0024554, OMIM 600721.

Submission:

Labcorp Genetics (formerly Invitae), Labcorp
Classification: Pathogenic for D-2-hydroxyglutaric aciduria 1. Last evaluated: 2024-01-08. Review status: criteria provided, single submitter. Criteria: Invitae Variant Classification Sherloc (09022015). Collection method: clinical testing. Allele origin: unknown.
Comment: This variant is a gross deletion of the genomic region encompassing exon(s) 8 of the D2HGDH gene. This deletion is out-of-frame, and is expected to create a premature termination codon and result in an absent or disrupted protein product. Loss-of-function variants in D2HGDH are known to be pathogenic (PMID: 16081310, 20020533, 21384162). This variant has not been reported in the literature in individuals affected with D2HGDH-related conditions. For these reasons, this variant has been classified as Pathogenic.

Literature cited by the submitters: PubMed 16081310; PubMed 20020533; PubMed 21384162.